The following is an entry in ClinVar:

ClinVar aggregate classification (germline): Benign (1 of 4 stars; one submission).

Conditions:
Paroxysmal nonkinesigenic dyskinesia 1 (PNKD1). Also called: Nonkinesigenic choreoathetosis; Familial paroxysmal choreoathetosis; DYSTONIA 8; Familial Paroxysmal Nonkinesigenic Dyskinesia; MOUNT-REBACK SYNDROME; PxMD-PNKD. Identifiers: Orphanet 98810, MedGen C4551506, MONDO:0700089, OMIM 118800, MONDO:0007326.

Allele frequency attached by ClinVar (database versions not stated): gnomAD 0.00003 and 0.00001; TOPMed 0.00003; 1000 Genomes Project 30x 0.00031; 1000 Genomes Project 0.00040.
gnomAD v4.1: 5 of 152,522 alleles (0.0033%); highest among the groups gnomAD compares: East Asian, 0.075%; no homozygotes.

Submission:

Illumina Laboratory Services, Illumina
Classification: Benign for Paroxysmal nonkinesigenic dyskinesia 1. Last evaluated: 2018-01-13. Review status: criteria provided, single submitter. Criteria: ICSL Variant Classification Criteria 13 December 2019. Collection method: clinical testing. Allele origin: germline.
Comment: This variant was observed in the ICSL laboratory as part of a predisposition screen in an ostensibly healthy population. It had not been previously curated by ICSL or reported in the Human Gene Mutation Database (HGMD: prior to June 1st, 2018), and was therefore a candidate for classification through an automated scoring system. Utilizing variant allele frequency, disease prevalence and penetrance estimates, and inheritance mode, an automated score was calculated to assess if this variant is too frequent to cause the disease. Based on the score and internal cut-off values, a variant classified as benign is not then subjected to further curation. The score for this variant resulted in a classification of benign for this disease.

NM_015488.5(PNKD):c.*982C>T

Genes: CATIP-AS2 (CATIP antisense RNA 2; minus strand), PNKD (PNKD metallo-beta-lactamase domain containing; plus strand). Cytogenetic location: 2q35.
Variant type: single nucleotide variant.
Coding change: c.*982C>T on transcript NM_015488.5 (MANE Select); 982 bases downstream of the stop codon, C replaced by T.
Molecular consequence: 3 prime UTR variant.
Genome position (GRCh38, 1-based): chr2:218,345,963, C>T. VCF-style: chr2-218345963-C-T. GRCh37 (hg19) VCF-style: chr2-219210686-C-T.
Other names: c.*982C>T (NM_022572.5).
Identifiers: ClinVar variation 334343 (VCV000334343.5), dbSNP rs140903787, ClinGen allele CA10612812.